The following is an entry in ClinVar:

ClinVar aggregate classification (germline): Uncertain significance (1 of 4 stars; one submission).

Conditions:
Retinoblastoma (RB1). Also called: RETINOBLASTOMA, SOMATIC. Identifiers: Orphanet 790, MedGen C0035335, MeSH D012175, MONDO:0008380, OMIM 180200, HP:0009919. Disease mechanism: loss of function. Inheritance: Both sporadic and heritable forms are tested..

gnomAD v4.1: 1 of 1,515,182 alleles (0.000066%); highest among the groups gnomAD compares: African/African-American, 0.0014%; no homozygotes.

Submission:

Labcorp Genetics (formerly Invitae), Labcorp
Classification: Uncertain significance for Retinoblastoma. Last evaluated: 2024-11-18. Review status: criteria provided, single submitter. Criteria: Invitae Variant Classification Sherloc (09022015). Collection method: clinical testing. Allele origin: germline.
Comment: This variant occurs in a non-coding region of the RB1 gene. It does not change the encoded amino acid sequence of the RB1 protein. This variant is present in population databases (no rsID available, gnomAD 0.01%). This variant has not been reported in the literature in individuals affected with RB1-related conditions. In summary, the available evidence is currently insufficient to determine the role of this variant in disease. Therefore, it has been classified as a Variant of Uncertain Significance.

NM_000321.3(RB1):c.-11G>C

Gene: RB1 (RB transcriptional corepressor 1; plus strand). Cytogenetic location: 13q14.2.
Variant type: single nucleotide variant.
Coding change: c.-11G>C on transcript NM_000321.3 (MANE Select); 11 bases upstream of the start codon, G replaced by C.
Molecular consequence: 5 prime UTR variant.
Genome position (GRCh38, 1-based): chr13:48,303,902, G>C. VCF-style: chr13-48303902-G-C. GRCh37 (hg19) VCF-style: chr13-48878038-G-C.
Other names: c.-11G>C (NM_001407165.1, NM_001407166.1, NM_001407167.1).
Identifiers: ClinVar variation 3711806 (VCV003711806.2).
Genomic context (GRCh38, chr13:48,303,902, plus strand): 5'-CCGACGTGCGCGCGCGTCGTCCTCCCCGGCGCTCCTCCACAGCTCGCTGGCTCCCGCCGC[G>C]GAAAGGCGTCATGCCGCCCAAAACCCCCCGAAAAACGGCCGCCACCGCCGCCGCTGCCGC-3'